The following is an entry in ClinVar:

ClinVar aggregate classification (germline): Uncertain significance. Review status: criteria provided, multiple submitters, no conflicts (2 of 4 stars). 3 submissions from 3 submitters: Uncertain significance (3). Last evaluated 2022-03-10.

Allele frequency attached by ClinVar (database versions not stated): gnomAD exomes below 0.00001; ExAC 0.00001; gnomAD 0.00003; TOPMed 0.00003; ESP Exome Variant Server 0.00008.
gnomAD v4.1: 7 of 1,613,820 alleles (0.00043%); highest among the groups gnomAD compares: African/African-American, 0.0067%; no homozygotes.

Submissions (3):

Labcorp Genetics (formerly Invitae), Labcorp
Classification: Uncertain significance. Last evaluated: 2022-03-10. Review status: criteria provided, single submitter. Criteria: Invitae Variant Classification Sherloc (09022015). Collection method: clinical testing. Allele origin: germline.
Comment: This sequence change replaces alanine, which is neutral and non-polar, with threonine, which is neutral and polar, at codon 2112 of the CDH23 protein (p.Ala2112Thr). This variant is present in population databases (rs371928601, gnomAD 0.008%). This variant has not been reported in the literature in individuals affected with CDH23-related conditions. ClinVar contains an entry for this variant (Variation ID: 866746). Algorithms developed to predict the effect of missense changes on protein structure and function are either unavailable or do not agree on the potential impact of this missense change (SIFT: "Deleterious"; PolyPhen-2: "Not Available"; Align-GVGD: "Class C0"). In summary, the available evidence is currently insufficient to determine the role of this variant in disease. Therefore, it has been classified as a Variant of Uncertain Significance.

GeneDx
Classification: Uncertain significance. Last evaluated: 2022-01-31. Review status: criteria provided, single submitter. Criteria: GeneDx Variant Classification Process June 2021. Collection method: clinical testing. Allele origin: germline. Affected: yes.
Comment: Not observed at significant frequency in large population cohorts (gnomAD); In silico analysis supports that this missense variant does not alter protein structure/function; Has not been previously published as pathogenic or benign to our knowledge

Blueprint Genetics
Classification: Uncertain significance. Last evaluated: 2018-03-20. Review status: criteria provided, single submitter. Criteria: ACMG Guidelines, 2015. Collection method: clinical testing. Allele origin: germline.

NM_022124.6(CDH23):c.6334G>A (p.Ala2112Thr)

Gene: CDH23 (cadherin related 23; plus strand). Cytogenetic location: 10q22.1.
Variant type: single nucleotide variant.
Coding change: c.6334G>A on transcript NM_022124.6 (MANE Select); coding-DNA position 6334, G replaced by A.
Protein change: p.Ala2112Thr; replaces alanine 2112 with threonine.
Molecular consequence: missense variant.
Genome position (GRCh38, 1-based): chr10:71,793,262, G>A. VCF-style: chr10-71793262-G-A. GRCh37 (hg19) VCF-style: chr10-73553019-G-A.
Other names: short protein forms A2112T.
Identifiers: ClinVar variation 866746 (VCV000866746.6), dbSNP rs371928601, ClinGen allele CA5546057.